The following is an entry in ClinVar:

ClinVar aggregate classification (germline): Uncertain significance (1 of 4 stars; one submission).

Conditions:
Arrhythmogenic right ventricular dysplasia 13. Also called: ARRHYTHMOGENIC RIGHT VENTRICULAR CARDIOMYOPATHY 13; Arrhythmogenic right ventricular dysplasia, familial, 13. Identifiers: MedGen C3810138, MONDO:0000908, OMIM 615616.

Submission:

Labcorp Genetics (formerly Invitae), Labcorp
Classification: Uncertain significance for Arrhythmogenic right ventricular dysplasia 13. Last evaluated: 2022-06-08. Review status: criteria provided, single submitter. Criteria: Invitae Variant Classification Sherloc (09022015). Collection method: clinical testing. Allele origin: germline.
Comment: In summary, the available evidence is currently insufficient to determine the role of this variant in disease. Therefore, it has been classified as a Variant of Uncertain Significance. This variant has not been reported in the literature in individuals affected with CTNNA3-related conditions. This variant results in a copy number gain of the genomic region encompassing exon(s) 11-12 of the CTNNA3 gene. While the exact position of this variant cannot be determined from the data, sub-genic copy number gains are generally in tandem (PMID: 25640679). This variant is predicted to be out-of-frame, and may result in an absent or disrupted protein product. However, the current clinical and genetic evidence is not sufficient to establish whether loss-of-function variants in CTNNA3 cause disease.

Literature cited by the submitters: PubMed 25640679.

NC_000010.10:g.(?_68138890)_(68280551_?)del

Gene: CTNNA3 (catenin alpha 3; minus strand). Cytogenetic location: 10q21.3.
Variant type: Deletion.
Identifiers: ClinVar variation 1064250 (VCV001064250.8).